The following is an entry in ClinVar:

NC_000002.11:g.(?_210737462)_(210745838_?)del

Gene: UNC80 (unc-80 homolog, NALCN channel complex subunit; plus strand). Cytogenetic location: 2q34.
Variant type: Deletion.
Identifiers: ClinVar variation 2427043 (VCV002427043.4).

ClinVar aggregate classification (germline): Uncertain significance (1 of 4 stars; one submission).

Submission:

Labcorp Genetics (formerly Invitae), Labcorp
Classification: Uncertain significance. Last evaluated: 2022-06-29. Review status: criteria provided, single submitter. Criteria: Invitae Variant Classification Sherloc (09022015). Collection method: clinical testing. Allele origin: germline.
Comment: This variant has not been reported in the literature in individuals affected with UNC80-related conditions. In summary, the available evidence is currently insufficient to determine the role of this variant in disease. Therefore, it has been classified as a Variant of Uncertain Significance. Experimental studies and prediction algorithms are not available or were not evaluated, and the functional significance of this variant is currently unknown. This variant is a gross deletion of the genomic region encompassing exon(s) 23-25 of the UNC80 gene. This variant would be expected to be in-frame, preserving the integrity of the reading frame.